The following is an entry in ClinVar:

NM_001348768.2(HECW2):c.2818G>A (p.Ala940Thr)

Gene: HECW2 (HECT, C2 and WW domain containing E3 ubiquitin protein ligase 2; minus strand). Cytogenetic location: 2q32.3.
Variant type: single nucleotide variant.
Coding change: c.2818G>A on transcript NM_001348768.2 (MANE Select); coding-DNA position 2818, G replaced by A.
Protein change: p.Ala940Thr; replaces alanine 940 with threonine.
Molecular consequence: missense variant.
Genome position (GRCh38, 1-based): chr2:196,292,747, C>T on the plus strand (G>A on the coding strand, the complement: HECW2 is on the minus strand). VCF-style: chr2-196292747-C-T. GRCh37 (hg19) VCF-style: chr2-197157471-C-T.
Other names: c.1750G>A, p.Ala584Thr (NM_001304840.3); c.2818G>A, p.Ala940Thr (NM_020760.4); c.2818G>A (NM_020760.1); short protein forms A584T, A940T.
Identifiers: ClinVar variation 1027610 (VCV001027610.5), dbSNP rs1690650843, ClinGen allele CA349960473.
Genomic context (GRCh38, chr2:196,292,747, plus strand): 5'-CCCTCCGGACTTTGGTGATCATGTGCTTCAAACACGTGTTGTTTGTAAACATGCGGTAGG[C>T]ACTCTAAAGAAAAGAATGGAGAACCAATGTTAACCCACTTGTGACATGCAGAAGCACCAG-3'
Protein context (NP_001335697.1, residues 930-950): FFTVLHSNPS[Ala940Thr]YRMFTNNTCL

ClinVar aggregate classification (germline): Uncertain significance. Review status: criteria provided, multiple submitters, no conflicts (2 of 4 stars). 2 submissions from 2 submitters: Uncertain significance (2). Last evaluated 2021-03-17.

Conditions:
HECW2-related disorder. Also called: HECW2-related condition.
Neurodevelopmental disorder with hypotonia, seizures, and absent language (NDHSAL). Identifiers: MedGen C4310643, MONDO:0014995, OMIM 617268.

Submissions (2):

Center for Statistical Genetics, Columbia University
Classification: Uncertain significance for Neurodevelopmental disorder with hypotonia, seizures, and absent language. Last evaluated: 2021-03-17. Review status: criteria provided, single submitter. Criteria: ACMG Guidelines, 2015. Collection method: clinical testing. Allele origin: germline. Affected: yes.

GeneDx
Classification: Uncertain significance. Last evaluated: 2019-10-22. Review status: criteria provided, single submitter. Criteria: GeneDx Variant Classification Process June 2021. Collection method: clinical testing. Allele origin: germline. Affected: yes.
Comment: Not observed in large population cohorts (Lek et al., 2016); In silico analysis, which includes protein predictors and evolutionary conservation, supports a deleterious effect; Has not been previously published as pathogenic or benign to our knowledge